The following is an entry in ClinVar:

ClinVar aggregate classification (germline): Conflicting classifications of pathogenicity. Review status: criteria provided, conflicting classifications (1 of 4 stars). 8 submissions from 8 submitters: Pathogenic (5); Likely pathogenic (1); Uncertain significance (1). 1 of the submissions does not count toward it. Last evaluated 2025-12-16.

Conditions:
Severe early-childhood-onset retinal dystrophy (STGD1). Also called: STGD; Stargardt macular dystrophy; Juvenile onset macular degeneration; Stargardt disease 1; MACULAR DYSTROPHY WITH FLECKS, TYPE 1. Identifiers: Orphanet 364055, Orphanet 827, MedGen C1855465, MeSH D000080362, MONDO:0009549, OMIM 248200.
Age related macular degeneration 2. Also called: MACULAR DEGENERATION, SENILE; MACULOPATHY, AGE-RELATED, 2; MACULOPATHY, AGE-RELATED. Identifiers: MedGen C3495438, MONDO:0007932, OMIM 153800.
Retinitis pigmentosa 19 (RP19). Also called: ABCA4-Related Retinitis Pigmentosa. Identifiers: Orphanet 791, MedGen C1866422, MONDO:0011137, OMIM 601718.
Cone-rod dystrophy 3 (CORD3). Identifiers: Orphanet 1872, MedGen C1858806, MONDO:0011395, OMIM 604116.
ABCA4-related disorder. Also called: ABCA4-related disorders; ABCA4-related condition. Identifiers: MedGen CN239167.

Allele frequency attached by ClinVar (database versions not stated): TOPMed 0.00002; gnomAD exomes 0.00002; gnomAD 0.00001; ExAC 0.00002.
gnomAD v4.1: 37 of 1,613,514 alleles (0.0023%); highest among the groups gnomAD compares: Non-Finnish European, 0.0029%; no homozygotes.

Submissions (8):

GeneDx
Classification: Pathogenic. Last evaluated: 2025-12-16. Review status: criteria provided, single submitter. Criteria: GeneDx Variant Classification Process June 2021. Collection method: clinical testing. Allele origin: germline. Affected: yes.
Comment: Not observed at significant frequency in large population cohorts (gnomAD); In silico analysis supports that this missense variant has a deleterious effect on protein structure/function; This variant is associated with the following publications: (PMID: 21911583, 20647261, 29925512, 28559085, 29126757, 17982420, 25324290, 23499370, 29343940, 29310964, 28041643, 22449572, 25312043, 30643219, 35456422, 24020726, 27699414, 29386879, 38219857, 38309476, 31964843, 35120629, 32307445, 35055178, 33706644, 32581362)

PreventionGenetics, part of Exact Sciences
Classification: Pathogenic for ABCA4-related condition. Last evaluated: 2025-11-07. Review status: criteria provided, single submitter. Criteria: ACMG Guidelines, 2015. Collection method: clinical testing. Allele origin: germline.
Comment: The ABCA4 c.4363T>C variant is predicted to result in the amino acid substitution p.Cys1455Arg. This variant has been reported with a second ABCA4 variant in several individuals with ABCA4-related retinal disease (see for examples: Table S1, Lin et al. 2024. PubMed ID: 38219857; Table S1, Stone et al. 2017. PubMed ID: 28559085; Bryant et al. 2017. PubMed ID: 29343940; Tanna et al. 2019. PubMed ID: 30834176; Fujinami et al. 2013. PubMed ID: 23499370). This variant is reported in 0.0035% of alleles in individuals of European (non-Finnish) descent in gnomAD. Given the evidence, this variant is interpreted as pathogenic.

Labcorp Genetics (formerly Invitae), Labcorp
Classification: Pathogenic. Last evaluated: 2025-04-17. Review status: criteria provided, single submitter. Criteria: Invitae Variant Classification Sherloc (09022015). Collection method: clinical testing. Allele origin: germline.
Comment: This sequence change replaces cysteine, which is neutral and slightly polar, with arginine, which is basic and polar, at codon 1455 of the ABCA4 protein (p.Cys1455Arg). This variant is present in population databases (rs758835368, gnomAD 0.003%). This missense change has been observed in individuals with Stargardt disease (PMID: 17982420, 22449572, 25312043, 29343940, 30834176, 32581362). ClinVar contains an entry for this variant (Variation ID: 377404). Invitae Evidence Modeling of protein sequence and biophysical properties (such as structural, functional, and spatial information, amino acid conservation, physicochemical variation, residue mobility, and thermodynamic stability) indicates that this missense variant is expected to disrupt ABCA4 protein function with a positive predictive value of 95%. For these reasons, this variant has been classified as Pathogenic.

Fulgent Genetics
Classification: Pathogenic for Age related macular degeneration 2; Severe early-childhood-onset retinal dystrophy; Retinitis pigmentosa 19; Cone-rod dystrophy 3. Last evaluated: 2024-06-10. Review status: criteria provided, single submitter. Criteria: ACMG Guidelines, 2015. Collection method: clinical testing. Allele origin: germline.

Blueprint Genetics
Classification: Pathogenic for ABCA4-related disorders. Last evaluated: 2022-06-15. Review status: criteria provided, single submitter. Criteria: ACMG Guidelines, 2015. Collection method: clinical testing. Allele origin: germline. Affected: yes. Observed: 5 variant alleles.

Illumina Laboratory Services, Illumina
Classification: Likely pathogenic for ABCA4-Related Disorders. Last evaluated: 2018-12-06. Review status: criteria provided, single submitter. Criteria: ICSL Variant Classification Criteria 09 May 2019. Collection method: clinical testing. Allele origin: germline.
Comment: The ABCA4 c.4363T>C (p.Cys1455Arg) missense variant has been reported in at least six studies in which it is found in a total of seven individuals with Stargardt disease including in four individuals in a compound heterozygous state and in two individuals in a heterozygous state. The variant was also found in one individual with early onset macular degeneration in a heterozygous state (Rosenberg et al. 2007; Westeneng-van Haaften et al. 2012; Fujinami et al. 2013, Fujinami et al. 2014, Fujinami et al. 2015; Lambertus et al. 2016). Control data are unavailable for this variant, which is reported at a frequency of 0.00003 in the European (non-Finnish) population from the Genome Aggregation Database. Based on the evidence, the p.Cys1455Arg variant is classified as pathogenic for ABCA4-related disorders.

Eurofins Ntd Llc (ga)
Classification: Uncertain significance. Last evaluated: 2017-02-23. Review status: criteria provided, single submitter. Criteria: EGL Classification Definitions 2015. Collection method: clinical testing. Allele origin: germline. Observed: 1 variant allele, 1 heterozygote.

NIHR Bioresource Rare Diseases, University of Cambridge
Classification: Likely pathogenic. Last evaluated: 2015-01-01. Review status: no assertion criteria provided. Collection method: research. Allele origin: unknown. Affected: yes. Observed: 2 variant alleles. Not counted in ClinVar's aggregate classification.

Literature cited by the submitters: PubMed 17982420 (cited by 3 submitters); PubMed 22449572 (cited by Labcorp Genetics (formerly Invitae), Labcorp and Illumina Laboratory Services, Illumina); PubMed 25312043 (cited by Labcorp Genetics (formerly Invitae), Labcorp and Illumina Laboratory Services, Illumina); PubMed 29343940 (cited by Labcorp Genetics (formerly Invitae), Labcorp); PubMed 30834176 (cited by Labcorp Genetics (formerly Invitae), Labcorp); PubMed 32581362 (cited by Labcorp Genetics (formerly Invitae), Labcorp); PubMed 23499370 (cited by Illumina Laboratory Services, Illumina); PubMed 27699414 (cited by Illumina Laboratory Services, Illumina); PubMed 24020726 (cited by Illumina Laboratory Services, Illumina); PubMed 28041643 (cited by NIHR Bioresource Rare Diseases, University of Cambridge).

NM_000350.3(ABCA4):c.4363T>C (p.Cys1455Arg)

Gene: ABCA4 (ATP binding cassette subfamily A member 4; minus strand). Cytogenetic location: 1p22.1.
Variant type: single nucleotide variant.
Coding change: c.4363T>C on transcript NM_000350.3 (MANE Select); coding-DNA position 4363, T replaced by C.
Protein change: p.Cys1455Arg; replaces cysteine 1455 with arginine.
Molecular consequence: missense variant.
Genome position (GRCh38, 1-based): chr1:94,029,621, A>G on the plus strand (T>C on the coding strand, the complement: ABCA4 is on the minus strand). VCF-style: chr1-94029621-A-G. GRCh37 (hg19) VCF-style: chr1-94495177-A-G.
Other names: c.4141T>C, p.Cys1381Arg (NM_001425324.1); short protein forms C1455R, C1381R.
Identifiers: ClinVar variation 377404 (VCV000377404.24), dbSNP rs758835368, ClinGen allele CA957621.